The following is an entry in ClinVar:

ClinVar aggregate classification (germline): Uncertain significance (1 of 4 stars; one submission).

Conditions:
Familial thoracic aortic aneurysm and aortic dissection (TAAD). Also called: Thoracic aortic aneurysms and dissections. Identifiers: Orphanet 91387, MedGen C4707243, MONDO:0019625.

Submission:

Ambry Genetics
Classification: Uncertain significance for Familial thoracic aortic aneurysm and aortic dissection. Last evaluated: 2024-11-05. Review status: criteria provided, single submitter. Criteria: Ambry Variant Classification Scheme 2023. Collection method: clinical testing. Allele origin: germline.
Comment: The p.G607C variant (also known as c.1819G>T), located in coding exon 17 of the PLOD1 gene, results from a G to T substitution at nucleotide position 1819. The glycine at codon 607 is replaced by cysteine, an amino acid with highly dissimilar properties. This amino acid position is conserved. In addition, this alteration is predicted to be tolerated by in silico analysis. Based on the available evidence, the clinical significance of this variant remains unclear.

NM_000302.4(PLOD1):c.1819G>T (p.Gly607Cys)

Gene: PLOD1 (procollagen-lysine,2-oxoglutarate 5-dioxygenase 1; plus strand). Cytogenetic location: 1p36.22.
Variant type: single nucleotide variant.
Coding change: c.1819G>T on transcript NM_000302.4 (MANE Select); coding-DNA position 1819, G replaced by T.
Protein change: p.Gly607Cys; replaces glycine 607 with cysteine.
Molecular consequence: missense variant.
Genome position (GRCh38, 1-based): chr1:11,970,733, G>T. VCF-style: chr1-11970733-G-T. GRCh37 (hg19) VCF-style: chr1-12030790-G-T.
Other names: c.1960G>T, p.Gly654Cys (NM_001316320.2); short protein forms G607C, G654C.
Identifiers: ClinVar variation 3420949 (VCV003420949.1).